The following is an entry in ClinVar:

ClinVar aggregate classification (germline): Uncertain significance (1 of 4 stars; one submission).

Conditions:
Joubert syndrome. Also called: Familial aplasia of the vermis; JOUBERT-BOLTSHAUSER SYNDROME; CEREBELLOPARENCHYMAL DISORDER IV. Identifiers: Orphanet 475, MedGen C5979921, MONDO:0018772.
Orofaciodigital syndrome I (OFD1). Also called: Papillon-Leage and Psaume Syndrome; OFDS I; Oral-Facial-Digital Syndrome Type I. Identifiers: Orphanet 2750, MedGen C1510460, MONDO:0010702, OMIM 311200.

Submission:

Labcorp Genetics (formerly Invitae), Labcorp
Classification: Uncertain significance for Orofaciodigital syndrome I; Joubert syndrome. Last evaluated: 2025-05-25. Review status: criteria provided, single submitter. Criteria: Invitae Variant Classification Sherloc (09022015). Collection method: clinical testing. Allele origin: germline.
Comment: This sequence change replaces glutamic acid, which is acidic and polar, with glycine, which is neutral and non-polar, at codon 918 of the OFD1 protein (p.Glu918Gly). This variant is not present in population databases (gnomAD no frequency). This variant has not been reported in the literature in individuals affected with OFD1-related conditions. Invitae Evidence Modeling of protein sequence and biophysical properties (such as structural, functional, and spatial information, amino acid conservation, physicochemical variation, residue mobility, and thermodynamic stability) indicates that this missense variant is not expected to disrupt OFD1 protein function with a negative predictive value of 80%. Algorithms developed to predict the effect of sequence changes on RNA splicing suggest that this variant may disrupt the consensus splice site. In summary, the available evidence is currently insufficient to determine the role of this variant in disease. Therefore, it has been classified as a Variant of Uncertain Significance.

NM_003611.3(OFD1):c.2753A>G (p.Glu918Gly)

Gene: OFD1 (OFD1 centriole and centriolar satellite protein; plus strand). Cytogenetic location: Xp22.2.
Variant type: single nucleotide variant.
Coding change: c.2753A>G on transcript NM_003611.3 (MANE Select); coding-DNA position 2753, A replaced by G.
Protein change: p.Glu918Gly; replaces glutamic acid 918 with glycine.
Molecular consequence: missense variant.
Genome position (GRCh38, 1-based): chrX:13,767,280, A>G. VCF-style: chrX-13767280-A-G. GRCh37 (hg19) VCF-style: chrX-13785399-A-G.
Other names: c.2633A>G, p.Glu878Gly (NM_001330209.2); c.2333A>G, p.Glu778Gly (NM_001330210.2); c.2642A>G, p.Glu881Gly (NM_001440947.1); c.2522A>G, p.Glu841Gly (NM_001440948.1); short protein forms E918G, E778G, E881G, E841G, E878G.
Identifiers: ClinVar variation 4782430 (VCV004782430.1).